The following is an entry in ClinVar:

ClinVar aggregate classification (germline): Uncertain significance (1 of 4 stars; one submission).

Allele frequency attached by ClinVar (database versions not stated): gnomAD exomes below 0.00001.
gnomAD v4.1: 3 of 1,612,348 alleles (0.00019%); highest among the groups gnomAD compares: Middle Eastern, 0.017%; no homozygotes.

Submission:

Labcorp Genetics (formerly Invitae), Labcorp
Classification: Uncertain significance. Last evaluated: 2022-09-13. Review status: criteria provided, single submitter. Criteria: Invitae Variant Classification Sherloc (09022015). Collection method: clinical testing. Allele origin: germline.
Comment: This sequence change replaces lysine, which is basic and polar, with arginine, which is basic and polar, at codon 2649 of the SPEG protein (p.Lys2649Arg). This variant is not present in population databases (gnomAD no frequency). This variant has not been reported in the literature in individuals affected with SPEG-related conditions. ClinVar contains an entry for this variant (Variation ID: 1467007). Algorithms developed to predict the effect of missense changes on protein structure and function output the following: SIFT: "Tolerated"; PolyPhen-2: "Benign"; Align-GVGD: "Class C0". The arginine amino acid residue is found in multiple mammalian species, which suggests that this missense change does not adversely affect protein function. Algorithms developed to predict the effect of sequence changes on RNA splicing suggest that this variant may create or strengthen a splice site. In summary, the available evidence is currently insufficient to determine the role of this variant in disease. Therefore, it has been classified as a Variant of Uncertain Significance.

NM_005876.5(SPEG):c.7946A>G (p.Lys2649Arg)

Genes: ASIC4-AS1 (ASIC4 antisense RNA 1; minus strand), SPEG (striated muscle enriched protein kinase; plus strand). Cytogenetic location: 2q35.
Variant type: single nucleotide variant.
Coding change: c.7946A>G on transcript NM_005876.5 (MANE Select); coding-DNA position 7946, A replaced by G.
Protein change: p.Lys2649Arg; replaces lysine 2649 with arginine.
Molecular consequence: missense variant.
Genome position (GRCh38, 1-based): chr2:219,488,585, A>G. VCF-style: chr2-219488585-A-G. GRCh37 (hg19) VCF-style: chr2-220353307-A-G.
Other names: short protein forms K2649R.
Identifiers: ClinVar variation 1467007 (VCV001467007.8), dbSNP rs2125586850, ClinGen allele CA350707469.